The following is an entry in ClinVar:

NM_014153.4(ZC3H7A):c.306+3G>A

Gene: ZC3H7A (zinc finger CCCH-type containing 7A; minus strand). Cytogenetic location: 16p13.13.
Variant type: single nucleotide variant.
Coding change: c.306+3G>A on transcript NM_014153.4 (MANE Select); 3 bases into the intron after coding-DNA position 306, G replaced by A.
Molecular consequence: intron variant.
Genome position (GRCh38, 1-based): chr16:11,779,163, C>T on the plus strand (G>A on the coding strand, the complement: ZC3H7A is on the minus strand). VCF-style: chr16-11779163-C-T. GRCh37 (hg19) VCF-style: chr16-11873019-C-T.
Identifiers: ClinVar variation 2646230 (VCV002646230.24), dbSNP rs2053133225, ClinGen allele CA2207816248.
Genomic context (GRCh38, chr16:11,779,163, plus strand): 5'-GTACTAAGTCATTGAAAAAATTCTTTTCACTCTAGAAACATCATTTTAAAAATTACAACT[C>T]ACCATATTAGAATAGCAGGCAATACGATTTATATATAGTTTTTCAATTATTTCTTTGGGG-3'

ClinVar aggregate classification (germline): Uncertain significance (1 of 4 stars; one submission).

Allele frequency attached by ClinVar (database versions not stated): gnomAD exomes 0.00001.
gnomAD v4.1: 7 of 1,583,836 alleles (0.00044%); highest among the groups gnomAD compares: Non-Finnish European, 0.0006%; no homozygotes.

Submission:

CeGaT Center for Human Genetics Tuebingen
Classification: Uncertain significance. Last evaluated: 2022-04-01. Review status: criteria provided, single submitter. Criteria: CeGaT Center For Human Genetics Tuebingen Variant Classification Criteria Version 2. Collection method: clinical testing. Allele origin: germline. Affected: yes. Observed: 1 variant allele.
Comment: ZC3H7A: PM2, BP4